The following is an entry in ClinVar:

ClinVar aggregate classification (germline): Uncertain significance (1 of 4 stars; one submission).

Submission:

Labcorp Genetics (formerly Invitae), Labcorp
Classification: Uncertain significance. Last evaluated: 2024-05-02. Review status: criteria provided, single submitter. Criteria: Invitae Variant Classification Sherloc (09022015). Collection method: clinical testing. Allele origin: germline.
Comment: This sequence change replaces proline, which is neutral and non-polar, with threonine, which is neutral and polar, at codon 440 of the MBD4 protein (p.Pro440Thr). This variant is not present in population databases (gnomAD no frequency). This variant has not been reported in the literature in individuals affected with MBD4-related conditions. An algorithm developed to predict the effect of missense changes on protein structure and function (PolyPhen-2) suggests that this variant is likely to be disruptive. In summary, the available evidence is currently insufficient to determine the role of this variant in disease. Therefore, it has been classified as a Variant of Uncertain Significance.

NM_001276270.2(MBD4):c.1300C>A (p.Pro434Thr)

Gene: MBD4 (methyl-CpG binding domain 4, DNA glycosylase; minus strand). Cytogenetic location: 3q21.3.
Variant type: single nucleotide variant.
Coding change: c.1300C>A on transcript NM_001276270.2 (MANE Select); coding-DNA position 1300, C replaced by A.
Protein change: p.Pro434Thr; replaces proline 434 with threonine.
Molecular consequence: missense variant.
Genome position (GRCh38, 1-based): chr3:129,433,943, G>T on the plus strand (C>A on the coding strand, the complement: MBD4 is on the minus strand). VCF-style: chr3-129433943-G-T. GRCh37 (hg19) VCF-style: chr3-129152786-G-T.
Other names: c.1318C>A, p.Pro440Thr (NM_001276271.2, NM_001276272.2, NM_003925.3); c.364C>A, p.Pro122Thr (NM_001276273.2); short protein forms P122T, P434T, P440T.
Identifiers: ClinVar variation 3693492 (VCV003693492.2).